The following is an entry in ClinVar:

ClinVar aggregate classification (germline): Pathogenic (1 of 4 stars; one submission).

Conditions:
Spastic paraplegia. Identifiers: MedGen C0037772, HP:0001258.

Submission:

Labcorp Genetics (formerly Invitae), Labcorp
Classification: Pathogenic for Spastic paraplegia. Last evaluated: 2021-05-13. Review status: criteria provided, single submitter. Criteria: Invitae Variant Classification Sherloc (09022015). Collection method: clinical testing. Allele origin: germline.
Comment: For these reasons, this variant has been classified as Pathogenic. This variant has been observed in individual(s) with clinical features of hereditary spastic paraplegia (Invitae). In at least one individual the data is consistent with the variant being in trans (on the opposite chromosome) from a pathogenic variant. This variant results in the deletion of exon(s) 3-5 and part of exon 6 (c.364-824_993del) of the FA2H gene. It is expected to disrupt RNA splicing. Variants that disrupt the donor or acceptor splice site typically lead to a loss of protein function (PMID: 16199547), and loss-of-function variants in FA2H are known to be pathogenic (PMID: 20853438, 25496456, 25732363, 26344562).

Literature cited by the submitters: PubMed 16199547; PubMed 20853438; PubMed 25496456; PubMed 25732363; PubMed 26344562.

NC_000016.9:g.(?_74750291)_(74762108_?)del

Gene: FA2H (fatty acid 2-hydroxylase; minus strand). Cytogenetic location: 16q23.1.
Variant type: Deletion.
Identifiers: ClinVar variation 458208 (VCV000458208.8).